The following is an entry in ClinVar:

ClinVar aggregate classification (germline): Likely benign. Review status: criteria provided, multiple submitters, no conflicts (2 of 4 stars). 2 submissions from 2 submitters: Likely benign (2). Last evaluated 2026-09-01.

Conditions:
Autosomal recessive limb-girdle muscular dystrophy type R18 (LGMDR18). Also called: MUSCULAR DYSTROPHY, LIMB-GIRDLE, AUTOSOMAL RECESSIVE 18; Autosomal recessive limb-girdle muscular dystrophy type 2S; Limb-girdle muscular dystrophy, type 2S. Identifiers: Orphanet 369840, MedGen C4517996, MONDO:0014144, OMIM 615356.

Allele frequency attached by ClinVar (database versions not stated): gnomAD 0.00009; gnomAD exomes 0.00011 and 0.00015; ExAC 0.00012; TOPMed 0.00012; 1000 Genomes Project 0.00020; 1000 Genomes Project 30x 0.00031; ESP Exome Variant Server 0.00038.
gnomAD v4.1: 235 of 1,614,000 alleles (0.015%); highest among the groups gnomAD compares: Non-Finnish European, 0.017%; no homozygotes.

Submissions (2):

CeGaT Center for Human Genetics Tuebingen
Classification: Likely benign. Last evaluated: 2026-09-01. Review status: criteria provided, single submitter. Criteria: CeGaT Center For Human Genetics Tuebingen Variant Classification Criteria Version 2. Collection method: clinical testing. Allele origin: germline. Affected: yes. Observed: 3 variant alleles.
Comment: TRAPPC11: BP4, BP7

Labcorp Genetics (formerly Invitae), Labcorp
Classification: Likely benign for Autosomal recessive limb-girdle muscular dystrophy type R18. Last evaluated: 2026-01-14. Review status: criteria provided, single submitter. Criteria: Invitae Variant Classification Sherloc (09022015). Collection method: clinical testing. Allele origin: germline.

NM_021942.6(TRAPPC11):c.1344C>T (p.Cys448=)

Gene: TRAPPC11 (trafficking protein particle complex subunit 11; plus strand). Cytogenetic location: 4q35.1.
Variant type: single nucleotide variant.
Coding change: c.1344C>T on transcript NM_021942.6 (MANE Select); coding-DNA position 1344, C replaced by T.
Protein change: p.Cys448=; no amino-acid change (cysteine 448 retained).
Molecular consequence: synonymous variant.
Genome position (GRCh38, 1-based): chr4:183,684,201, C>T. VCF-style: chr4-183684201-C-T. GRCh37 (hg19) VCF-style: chr4-184605354-C-T.
Other names: c.1344C>T, p.Cys448= (NM_199053.3).
Identifiers: ClinVar variation 541356 (VCV000541356.52), dbSNP rs147260246, ClinGen allele CA3151884.